The following is an entry in ClinVar:

ClinVar aggregate classification (germline): Likely benign (0 of 4 stars; one submission).

Conditions:
NFKBIL1-related disorder. Also called: NFKBIL1-related condition.

Allele frequency attached by ClinVar (database versions not stated): TOPMed 0.00008; gnomAD 0.00021; 1000 Genomes Project 30x 0.00141; 1000 Genomes Project 0.00160; ExAC 0.00203.

Submission:

PreventionGenetics, part of Exact Sciences
Classification: Likely benign for NFKBIL1-related condition. Last evaluated: 2019-04-04. Review status: no assertion criteria provided. Collection method: clinical testing. Allele origin: germline.
Comment: This variant is classified as likely benign based on ACMG/AMP sequence variant interpretation guidelines (Richards et al. 2015 PMID: 25741868, with internal and published modifications).

NM_005007.4(NFKBIL1):c.814C>G (p.Arg272Gly)

Gene: NFKBIL1 (NFKB inhibitor like 1; plus strand). Cytogenetic location: 6p21.33.
Variant type: single nucleotide variant.
Coding change: c.814C>G on transcript NM_005007.4 (MANE Select); coding-DNA position 814, C replaced by G.
Protein change: p.Arg272Gly; replaces arginine 272 with glycine.
Molecular consequence: missense variant.
Genome position (GRCh38, 1-based): chr6:31,558,279, C>G. VCF-style: chr6-31558279-C-G. GRCh37 (hg19) VCF-style: chr6-31526056-C-G.
Other names: c.769C>G, p.Arg257Gly (NM_001144961.2); c.745C>G, p.Arg249Gly (NM_001144962.2); c.700C>G, p.Arg234Gly (NM_001144963.2); short protein forms R234G, R249G, R257G, R272G.
Identifiers: ClinVar variation 3058781 (VCV003058781.2), dbSNP rs200733771, ClinGen allele CA3713715.